The following is an entry in ClinVar:

ClinVar aggregate classification (germline): Benign. Review status: criteria provided, multiple submitters, no conflicts (2 of 4 stars). 3 submissions from 3 submitters: Benign (2). 1 of the submissions does not count toward it. Last evaluated 2019-12-31.

Conditions:
MYO16-related disorder. Also called: MYO16-related condition.

Allele frequency attached by ClinVar (database versions not stated): ESP Exome Variant Server 0.00100; gnomAD 0.00454 and 0.00484; 1000 Genomes Project 0.00619; 1000 Genomes Project 30x 0.00640; TOPMed 0.00722.
gnomAD v4.1: 4,429 of 1,605,294 alleles (0.28%); highest among the groups gnomAD compares: Admixed American, 3.9%; 74 homozygotes.

Submissions (3):

Labcorp Genetics (formerly Invitae), Labcorp
Classification: Benign. Last evaluated: 2019-12-31. Review status: criteria provided, single submitter. Criteria: Invitae Variant Classification Sherloc (09022015). Collection method: clinical testing. Allele origin: germline.

Breakthrough Genomics
Classification: Benign. Review status: criteria provided, single submitter. Criteria: ACMG Guidelines, 2015. Collection method: not provided. Allele origin: germline. Inheritance: Unknown mechanism. Affected: yes.

PreventionGenetics, part of Exact Sciences
Classification: Benign for MYO16-related condition. Last evaluated: 2019-05-28. Review status: no assertion criteria provided. Collection method: clinical testing. Allele origin: germline. Not counted in ClinVar's aggregate classification.
Comment: This variant is classified as benign based on ACMG/AMP sequence variant interpretation guidelines (Richards et al. 2015 PMID: 25741868, with internal and published modifications).

NM_001198950.3(MYO16):c.893T>A (p.Met298Lys)

Gene: MYO16 (myosin XVI; plus strand). Cytogenetic location: 13q33.3.
Variant type: single nucleotide variant.
Coding change: c.893T>A on transcript NM_001198950.3 (MANE Select); coding-DNA position 893, T replaced by A.
Protein change: p.Met298Lys; replaces methionine 298 with lysine.
Molecular consequence: missense variant.
Genome position (GRCh38, 1-based): chr13:108,820,362, T>A. VCF-style: chr13-108820362-T-A. GRCh37 (hg19) VCF-style: chr13-109472710-T-A.
Other names: c.827T>A, p.Met276Lys (NM_015011.3); short protein forms M276K, M298K.
Identifiers: ClinVar variation 769854 (VCV000769854.7), dbSNP rs149704651, ClinGen allele CA7044554.